The following is an entry in ClinVar:

NC_000019.9:g.(?_52249195)_(52250247_?)dup

Gene: FPR1 (formyl peptide receptor 1; minus strand). Cytogenetic location: 19q13.41.
Variant type: Duplication.
Identifiers: ClinVar variation 1511796 (VCV001511796.5).

ClinVar aggregate classification (germline): Uncertain significance (1 of 4 stars; one submission).

Conditions:
Gingival disorder. Also called: Gingival disease. Identifiers: MedGen C0017563, MONDO:0002021.

Submission:

Labcorp Genetics (formerly Invitae), Labcorp
Classification: Uncertain significance for Gingival disorder. Last evaluated: 2024-01-25. Review status: criteria provided, single submitter. Criteria: Invitae Variant Classification Sherloc (09022015). Collection method: clinical testing. Allele origin: germline.
Comment: A copy number gain of the genomic region encompassing the full coding sequence of the FPR1 gene has been identified. The boundaries of this event are unknown as they extend beyond the assayed region for this gene and therefore may encompass additional genes. As the precise location of this event is unknown, it may be in tandem or it may be located elsewhere in the genome. This variant has not been reported in the literature in individuals affected with FPR1-related conditions. In summary, the available evidence is currently insufficient to determine the role of this variant in disease. Therefore, it has been classified as a Variant of Uncertain Significance.